The following is an entry in ClinVar:

ClinVar aggregate classification (germline): Pathogenic (1 of 4 stars; one submission).

Conditions:
Microcephaly, normal intelligence and immunodeficiency (NBS). Also called: BERLIN BREAKAGE SYNDROME; Immunodeficiency, microcephaly with normal intelligence; IMMUNODEFICIENCY, MICROCEPHALY, AND CHROMOSOMAL INSTABILITY; SEEMANOVA SYNDROME II; Ataxia telangiectasia variant V1; Nijmegen breakage syndrome. Identifiers: Orphanet 647, MedGen C0398791, MONDO:0009623, OMIM 251260.

Submission:

Labcorp Genetics (formerly Invitae), Labcorp
Classification: Pathogenic for Microcephaly, normal intelligence and immunodeficiency. Last evaluated: 2021-11-14. Review status: criteria provided, single submitter. Criteria: Invitae Variant Classification Sherloc (09022015). Collection method: clinical testing. Allele origin: germline.
Comment: Information on the frequency of this variant in the gnomAD database is not available, as this variant may be reported differently in the database. This sequence change creates a premature translational stop signal (p.Phe262*) in the NBN gene. It is expected to result in an absent or disrupted protein product. Loss-of-function variants in NBN are known to be pathogenic (PMID: 9590180, 16415040). This variant has not been reported in the literature in individuals affected with NBN-related conditions. For these reasons, this variant has been classified as Pathogenic.

Literature cited by the submitters: PubMed 9590180; PubMed 16415040.

NM_002485.5(NBN):c.785_786delinsAA (p.Phe262Ter)

Gene: NBN (nibrin; minus strand). Cytogenetic location: 8q21.3.
Variant type: Indel.
Coding change: c.785_786delinsAA on transcript NM_002485.5 (MANE Select); coding-DNA positions 785 to 786, TC replaced by AA.
Protein change: p.Phe262Ter; replaces phenylalanine 262 with a stop codon.
Molecular consequence: nonsense.
Genome position (GRCh38, 1-based): chr8:89,970,474-89,970,475, GA replaced by TT on the plus strand (TC replaced by AA on the coding strand, the reverse complement: NBN is on the minus strand). VCF-style: chr8-89970474-GA-TT. GRCh37 (hg19) VCF-style: chr8-90982702-GA-TT.
Other names: c.539_540delinsAA, p.Phe180Ter (NM_001024688.3); short protein forms F262*, F180*.
Identifiers: ClinVar variation 1458678 (VCV001458678.6), dbSNP rs2129829803, ClinGen allele CA2573143428.
Genomic context (GRCh38, chr8:89,970,474, plus strand): 5'-AATTAAGGTCTGTGAGTTTGTTATTCCTGTATCAACAACACACGTTCCCGGAGCCAAAAA[GA>TT]AATTATGTTCTTCTTCATTCTCTTCTGTTATCAACCTAGCTTCCCCACCTCCAAAGACAA-3'